The following is an entry in ClinVar:

NM_000093.5(COL5A1):c.5164C>A (p.Pro1722Thr)

Genes: COL5A1 (collagen type V alpha 1 chain; plus strand), LOC101448202 (uncharacterized LOC101448202; minus strand). Cytogenetic location: 9q34.3.
Variant type: single nucleotide variant.
Coding change: c.5164C>A on transcript NM_000093.5 (MANE Select); coding-DNA position 5164, C replaced by A.
Protein change: p.Pro1722Thr; replaces proline 1722 with threonine.
Molecular consequence: missense variant.
Genome position (GRCh38, 1-based): chr9:134,834,998, C>A. VCF-style: chr9-134834998-C-A. GRCh37 (hg19) VCF-style: chr9-137726844-C-A.
Other names: c.5164C>A, p.Pro1722Thr (NM_001278074.1); short protein forms P1722T.
Identifiers: ClinVar variation 835881 (VCV000835881.11), dbSNP rs1839797107, ClinGen allele CA375460308.
Genomic context (GRCh38, chr9:134,834,998, plus strand): 5'-CCCTGCTGAGCCCCAACACCCCTGTCCCCCCAGCTCTCCTATGTGGACGCCGAGGGCAAC[C>A]CTGTGGGTGTGGTACAGATGACCTTCCTGCGGCTGCTGAGCGCCTCTGCCCACCAGAACG-3'
Protein context (NP_000084.3, residues 1712-1732): LLSYVDAEGN[Pro1722Thr]VGVVQMTFLR

ClinVar aggregate classification (germline): Uncertain significance (1 of 4 stars; one submission).

Conditions:
Ehlers-Danlos syndrome, classic type, 1 (EDSCL1). Also called: Ehlers-Danlos syndrome, type 1; Ehlers-Danlos Syndrome, Classic Type, COL5A1-Related; EDS I; EHLERS-DANLOS SYNDROME, GRAVIS TYPE; EHLERS-DANLOS SYNDROME, SEVERE CLASSIC TYPE. Identifiers: MedGen C0268335, MONDO:0019567, OMIM 130000.

Submission:

Labcorp Genetics (formerly Invitae), Labcorp
Classification: Uncertain significance for Ehlers-Danlos syndrome, classic type, 1. Last evaluated: 2019-12-18. Review status: criteria provided, single submitter. Criteria: Invitae Variant Classification Sherloc (09022015). Collection method: clinical testing. Allele origin: germline.
Comment: Algorithms developed to predict the effect of missense changes on protein structure and function are either unavailable or do not agree on the potential impact of this missense change (SIFT: "Deleterious"; PolyPhen-2: "Not Available"; Align-GVGD: "Class C0"). In summary, the available evidence is currently insufficient to determine the role of this variant in disease. Therefore, it has been classified as a Variant of Uncertain Significance. This variant has not been reported in the literature in individuals with COL5A1-related conditions. This variant is not present in population databases (ExAC no frequency). This sequence change replaces proline with threonine at codon 1722 of the COL5A1 protein (p.Pro1722Thr). The proline residue is moderately conserved and there is a small physicochemical difference between proline and threonine.